The following is an entry in ClinVar:

NM_014727.3(KMT2B):c.4789C>T (p.Arg1597Trp)

Gene: KMT2B (lysine methyltransferase 2B; plus strand). Cytogenetic location: 19q13.12.
Variant type: single nucleotide variant.
Coding change: c.4789C>T on transcript NM_014727.3 (MANE Select); coding-DNA position 4789, C replaced by T.
Protein change: p.Arg1597Trp; replaces arginine 1597 with tryptophan.
Molecular consequence: missense variant.
Genome position (GRCh38, 1-based): chr19:35,729,168, C>T. VCF-style: chr19-35729168-C-T. GRCh37 (hg19) VCF-style: chr19-36220069-C-T.
Other names: c.4789C>T (NM_014727.2); short protein forms R1597W.
Identifiers: ClinVar variation 1013155 (VCV001013155.46), dbSNP rs1239076295, ClinGen allele CA405417459.

ClinVar aggregate classification (germline): Pathogenic/Likely pathogenic. Review status: criteria provided, multiple submitters, no conflicts (2 of 4 stars). 3 submissions from 3 submitters: Pathogenic (1); Likely pathogenic (2). Last evaluated 2025-05-19.

Submissions (3):

GeneDx
Classification: Pathogenic. Last evaluated: 2025-05-19. Review status: criteria provided, single submitter. Criteria: GeneDx Variant Classification Process June 2021. Collection method: clinical testing. Allele origin: germline. Affected: yes.
Comment: Not observed at significant frequency in large population cohorts (gnomAD); In silico analysis supports that this missense variant has a deleterious effect on protein structure/function; This variant is associated with the following publications: (PMID: 28135719, 28191890, 32634684, 33057194, 35982159, 33150406, 30253925)

CeGaT Center for Human Genetics Tuebingen
Classification: Likely pathogenic. Last evaluated: 2020-10-01. Review status: criteria provided, single submitter. Criteria: CeGaT Center For Human Genetics Tuebingen Variant Classification Criteria Version 2. Collection method: clinical testing. Allele origin: germline. Affected: yes. Observed: 2 variant alleles.

Labcorp Genetics (formerly Invitae), Labcorp
Classification: Likely pathogenic. Last evaluated: 2017-11-17. Review status: criteria provided, single submitter. Criteria: Invitae Variant Classification Sherloc (09022015). Collection method: clinical testing. Allele origin: germline.
Comment: This variant is not present in population databases (ExAC no frequency). This sequence change replaces arginine with tryptophan at codon 1597 of the KMT2B protein (p.Arg1597Trp). The arginine residue is moderately conserved and there is a moderate physicochemical difference between arginine and tryptophan. In summary, the currently available evidence indicates that the variant is pathogenic, but additional data are needed to prove that conclusively. Therefore, this variant has been classified as Likely Pathogenic. Algorithms developed to predict the effect of missense changes on protein structure and function do not agree on the potential impact of this missense change (SIFT: "Deleterious"; PolyPhen-2: "Probably Damaging"; Align-GVGD: "Class C0").